The following is an entry in ClinVar:

NM_015346.4(ZFYVE26):c.2300G>A (p.Arg767His)

Gene: ZFYVE26 (zinc finger FYVE-type containing 26; minus strand). Cytogenetic location: 14q24.1.
Variant type: single nucleotide variant.
Coding change: c.2300G>A on transcript NM_015346.4 (MANE Select); coding-DNA position 2300, G replaced by A.
Protein change: p.Arg767His; replaces arginine 767 with histidine.
Molecular consequence: missense variant.
Genome position (GRCh38, 1-based): chr14:67,797,704, C>T on the plus strand (G>A on the coding strand, the complement: ZFYVE26 is on the minus strand). VCF-style: chr14-67797704-C-T. GRCh37 (hg19) VCF-style: chr14-68264421-C-T.
Other names: short protein forms R767H.
Identifiers: ClinVar variation 291143 (VCV000291143.9), dbSNP rs146290086, ClinGen allele CA7240346.
Genomic context (GRCh38, chr14:67,797,704, plus strand): 5'-GTGCATGGGAATGAGCTCTTCAGATTACCTGCCTGGCTCCTTCTTGTCCGACGACCCCGG[C>T]GGAGACTGGGGTGACGTGTGGCAGGCTGGTATCTTCGGGAAGGTTGCTCCTCTGAAAGAG-3'
Protein context (NP_056161.2, residues 757-777): YQPATRHPSL[Arg767His]RGRRTRRSQA

ClinVar aggregate classification (germline): Uncertain significance. Review status: criteria provided, multiple submitters, no conflicts (2 of 4 stars). 4 submissions from 4 submitters: Uncertain significance (4). Last evaluated 2025-06-24.

Conditions:
Spastic paraplegia. Identifiers: MedGen C0037772, HP:0001258.

Allele frequency attached by ClinVar (database versions not stated): gnomAD exomes 0.00012; ExAC 0.00017; gnomAD 0.00040 and 0.00037; ESP Exome Variant Server 0.00046; TOPMed 0.00030.
gnomAD v4.1: 154 of 1,614,176 alleles (0.0095%); highest among the groups gnomAD compares: African/African-American, 0.11%; 1 homozygote.

Submissions (4):

GeneDx
Classification: Uncertain significance. Last evaluated: 2025-06-24. Review status: criteria provided, single submitter. Criteria: GeneDx Variant Classification Process June 2021. Collection method: clinical testing. Allele origin: germline. Affected: yes.
Comment: Reported with a second ZFYVE26 variant in a patient with progressive ataxia, seizures, scoliosis, cerebellar atrophy, and hearing loss; however, parental segregation information was not provided (PMID: 32999401); In silico analysis supports that this missense variant does not alter protein structure/function; This variant is associated with the following publications: (PMID: 32999401)

Labcorp Genetics (formerly Invitae), Labcorp
Classification: Uncertain significance for Spastic paraplegia. Last evaluated: 2024-09-30. Review status: criteria provided, single submitter. Criteria: Invitae Variant Classification Sherloc (09022015). Collection method: clinical testing. Allele origin: germline.
Comment: This sequence change replaces arginine, which is basic and polar, with histidine, which is basic and polar, at codon 767 of the ZFYVE26 protein (p.Arg767His). This variant is present in population databases (rs146290086, gnomAD 0.1%). This variant has not been reported in the literature in individuals affected with ZFYVE26-related conditions. ClinVar contains an entry for this variant (Variation ID: 291143). An algorithm developed to predict the effect of missense changes on protein structure and function (PolyPhen-2) suggests that this variant¬†is likely to be tolerated. In summary, the available evidence is currently insufficient to determine the role of this variant in disease. Therefore, it has been classified as a Variant of Uncertain Significance.

Eurofins Ntd Llc (ga)
Classification: Uncertain significance. Last evaluated: 2018-04-11. Review status: criteria provided, single submitter. Criteria: EGL ClinVar v180209 classification definitions. Collection method: clinical testing. Allele origin: germline. Observed: 4 variant alleles, 4 heterozygotes.

Athena Diagnostics
Classification: Uncertain significance. Last evaluated: 2017-03-28. Review status: criteria provided, single submitter. Criteria: Athena Diagnostics Criteria. Collection method: clinical testing. Allele origin: germline.